The following is an entry in ClinVar:

ClinVar aggregate classification (germline): Uncertain significance (1 of 4 stars; one submission).

Allele frequency attached by ClinVar (database versions not stated): TOPMed 0.00001.
gnomAD v4.1: 4 of 1,559,140 alleles (0.00026%); highest among the groups gnomAD compares: African/African-American, 0.0054%; no homozygotes.

Submission:

Labcorp Genetics (formerly Invitae), Labcorp
Classification: Uncertain significance. Last evaluated: 2023-07-07. Review status: criteria provided, single submitter. Criteria: Invitae Variant Classification Sherloc (09022015). Collection method: clinical testing. Allele origin: germline.
Comment: Advanced modeling of protein sequence and biophysical properties (such as structural, functional, and spatial information, amino acid conservation, physicochemical variation, residue mobility, and thermodynamic stability) performed at Invitae indicates that this missense variant is expected to disrupt COL9A3 protein function. In summary, the available evidence is currently insufficient to determine the role of this variant in disease. Therefore, it has been classified as a Variant of Uncertain Significance. This variant has not been reported in the literature in individuals affected with COL9A3-related conditions. This sequence change replaces glycine, which is neutral and non-polar, with alanine, which is neutral and non-polar, at codon 238 of the COL9A3 protein (p.Gly238Ala). The frequency data for this variant in the population databases is considered unreliable, as metrics indicate poor data quality at this position in the gnomAD database.

NM_001853.4(COL9A3):c.713G>C (p.Gly238Ala)

Gene: COL9A3 (collagen type IX alpha 3 chain; plus strand). Cytogenetic location: 20q13.33.
Variant type: single nucleotide variant.
Coding change: c.713G>C on transcript NM_001853.4 (MANE Select); coding-DNA position 713, G replaced by C.
Protein change: p.Gly238Ala; replaces glycine 238 with alanine.
Molecular consequence: missense variant.
Genome position (GRCh38, 1-based): chr20:62,826,232, G>C. VCF-style: chr20-62826232-G-C. GRCh37 (hg19) VCF-style: chr20-61457584-G-C.
Other names: short protein forms G238A.
Identifiers: ClinVar variation 3009272 (VCV003009272.3), dbSNP rs1475047922, ClinGen allele CA409591968.
Genomic context (GRCh38, chr20:62,826,232, plus strand): 5'-CCAGCCTCTGCATCTGTGCCTCTCTCTCGCAGGGCCCCCGGGGATTACGAGGACTGCCAG[G>C]GCCACTCGGGCCCCCTGGGGACCGGGTAAGTCCTGCAGCCCCTAGTGGGGGCCGGCCAGG-3'
Protein context (NP_001844.3, residues 228-248): QGPRGLRGLP[Gly238Ala]PLGPPGDRGP